The following is an entry in ClinVar:

NM_001375524.1(TRRAP):c.3636G>C (p.Gln1212His)

Gene: TRRAP (transformation/transcription domain associated protein; plus strand). Cytogenetic location: 7q22.1.
Variant type: single nucleotide variant.
Coding change: c.3636G>C on transcript NM_001375524.1 (MANE Select); coding-DNA position 3636, G replaced by C.
Protein change: p.Gln1212His; replaces glutamine 1212 with histidine.
Molecular consequence: missense variant.
Genome position (GRCh38, 1-based): chr7:98,931,449, G>C. VCF-style: chr7-98931449-G-C. GRCh37 (hg19) VCF-style: chr7-98529072-G-C.
Other names: c.3636G>C (NM_001244580.1, NM_003496.3); c.3636G>C, p.Gln1212His (NM_001244580.2, NM_003496.4); short protein forms Q1212H.
Identifiers: ClinVar variation 2063091 (VCV002063091.6), dbSNP rs373369216, ClinGen allele CA4360040.

ClinVar aggregate classification (germline): Conflicting classifications of pathogenicity. Review status: criteria provided, conflicting classifications (1 of 4 stars). 3 submissions from 3 submitters: Uncertain significance (1); Benign (1); Likely benign (1). Last evaluated 2026-06-04.

Conditions:
TRRAP-related disorder. Also called: TRRAP-related condition.
Inborn genetic diseases. Identifiers: MedGen C0950123, MeSH D030342.

Allele frequency attached by ClinVar (database versions not stated): gnomAD exomes 0.00001; ExAC 0.00003; gnomAD 0.00005; TOPMed 0.00005.
gnomAD v4.1: 64 of 1,614,052 alleles (0.004%); highest among the groups gnomAD compares: East Asian, 0.031%; 1 homozygote.

Submissions (3):

PreventionGenetics, part of Exact Sciences
Classification: Uncertain significance for TRRAP-related condition. Last evaluated: 2026-06-04. Review status: criteria provided, single submitter. Criteria: ACMG Guidelines, 2015. Collection method: clinical testing. Allele origin: germline.
Comment: The TRRAP c.3636G>C variant is predicted to result in the amino acid substitution p.Gln1212His. To our knowledge, this variant has not been reported in the literature. This variant is reported in 0.025% of alleles in individuals of East Asian descent in gnomAD. Although we suspect that this variant may be benign, at this time, the clinical significance of this variant is uncertain due to the absence of conclusive functional and genetic evidence.

Labcorp Genetics (formerly Invitae), Labcorp
Classification: Benign. Last evaluated: 2025-09-02. Review status: criteria provided, single submitter. Criteria: Invitae Variant Classification Sherloc (09022015). Collection method: clinical testing. Allele origin: germline.

Ambry Genetics
Classification: Likely benign for Inborn genetic diseases. Last evaluated: 2023-10-26. Review status: criteria provided, single submitter. Criteria: Ambry Variant Classification Scheme 2023. Collection method: clinical testing. Allele origin: germline.